The following is an entry in ClinVar:

NM_000443.4(ABCB4):c.370G>C (p.Gly124Arg)

Gene: ABCB4 (ATP binding cassette subfamily B member 4; minus strand). Cytogenetic location: 7q21.12.
Variant type: single nucleotide variant.
Coding change: c.370G>C on transcript NM_000443.4 (MANE Select); coding-DNA position 370, G replaced by C.
Protein change: p.Gly124Arg; replaces glycine 124 with arginine.
Molecular consequence: missense variant.
Genome position (GRCh38, 1-based): chr7:87,453,110, C>G on the plus strand (G>C on the coding strand, the complement: ABCB4 is on the minus strand). VCF-style: chr7-87453110-C-G. GRCh37 (hg19) VCF-style: chr7-87082426-C-G.
Other names: c.370G>C, p.Gly124Arg (NM_018849.3, NM_018850.3); c.370G>C (NM_000443.3); short protein forms G124R.
Identifiers: ClinVar variation 4846460 (VCV004846460.2).
Genomic context (GRCh38, chr7:87,453,110, plus strand): 5'-GACCAGCTGCCAAAGTCCAAAATGAAACTTGTATATAGGCAGCAACAAGAACTCCAGCAC[C>G]CAATCCTGAGTAGTAATATGCATATCTGAAAAAAAAGAGAAAGGCTCTATTAAATACCTT-3'
Protein context (NP_000434.1, residues 114-134): TRYAYYYSGL[Gly124Arg]AGVLVAAYIQ

ClinVar aggregate classification (germline): Uncertain significance. Review status: criteria provided, multiple submitters, no conflicts (2 of 4 stars). 2 submissions from 2 submitters: Uncertain significance (2). Last evaluated 2026-09-10.

Conditions:
ABCB4-related disorder. Also called: ABCB4-related disorders; ABCB4-related condition.
Familial intrahepatic cholestasis. Identifiers: Orphanet 284385, MedGen CN296401, MONDO:0017290.

Submissions (2):

PreventionGenetics, part of Exact Sciences
Classification: Uncertain significance for ABCB4-related condition. Last evaluated: 2026-09-10. Review status: criteria provided, single submitter. Criteria: ACMG Guidelines, 2015. Collection method: clinical testing. Allele origin: germline.
Comment: The ABCB4 c.370G>C variant is predicted to result in the amino acid substitution p.Gly124Arg. This variant has been reported in combination with a likely pathogenic ABCB4 variant in an individual with familial progressive intrahepatic cholestasis type 3, although the phase of the variants was not determined (Mehta et al. 2022. PubMed ID: 35535061). This variant has not been reported in a large population database (gnomAD), indicating this variant is rare. Alternate variants at the same amino acid location (p.Gly124Cys, p.Gly124Ser) have been reported in individuals with cholestasis-related conditions (Supplementary Tables 2, 4, & 9, Zöllner et al. 2023. PubMed ID: 37208429; Poupon et al. 2013. PubMed ID: 23533021). At this time, the clinical significance of the c.370G>C variant is uncertain due to the absence of conclusive functional and genetic evidence.

Genomenon, Inc
Classification: Uncertain significance for Familial intrahepatic cholestasis. Last evaluated: 2026-04-14. Review status: criteria provided, single submitter. Criteria: Genomenon Sequence Variant Interpretation Standards - Updated. Collection method: curation. Allele origin: germline. Affected: yes.
Comment: ABCB4 p.Gly124Arg (c.370G>C) is a missense variant that changes the amino acid at residue 124 from Glycine to Arginine. This variant has been observed in at least one proband with an ABCB4-related disorder (PMID:35535061). It is absent or not present at a significant frequency in gnomAD. In silico models predict that this variant is possibly or probably damaging. In conclusion, we classify ABCB4 p.Gly124Arg (c.370G>C) as a variant of uncertain significance.

Literature cited by the submitters: PubMed 35535061 (cited by Genomenon, Inc).